The following is an entry in ClinVar:

ClinVar aggregate classification (germline): Uncertain significance (1 of 4 stars; one submission).

Conditions:
STXBP5L-related disorder. Also called: STXBP5L-related condition.

Submission:

PreventionGenetics, part of Exact Sciences
Classification: Uncertain significance for STXBP5L-related condition. Last evaluated: 2025-05-02. Review status: criteria provided, single submitter. Criteria: ACMG Guidelines, 2015. Collection method: clinical testing. Allele origin: germline.
Comment: The STXBP5L c.541A>G variant is predicted to result in the amino acid substitution p.Ile181Val. To our knowledge, this variant has not been reported in the literature or in a large population database (gnomAD), indicating this variant is rare. At this time, the clinical significance of this variant is uncertain due to the absence of conclusive functional and genetic evidence.

NM_001308330.2(STXBP5L):c.541A>G (p.Ile181Val)

Gene: STXBP5L (syntaxin binding protein 5L; plus strand). Cytogenetic location: 3q13.33.
Variant type: single nucleotide variant.
Coding change: c.541A>G on transcript NM_001308330.2 (MANE Select); coding-DNA position 541, A replaced by G.
Protein change: p.Ile181Val; replaces isoleucine 181 with valine.
Molecular consequence: missense variant. On other transcripts: non-coding transcript variant (2).
Genome position (GRCh38, 1-based): chr3:121,114,995, A>G. VCF-style: chr3-121114995-A-G. GRCh37 (hg19) VCF-style: chr3-120833842-A-G.
Other names: c.541A>G, p.Ile181Val (NM_001348343.2, NM_001348344.2, NM_001348345.2 and 1 more transcripts); short protein forms I181V.
Identifiers: ClinVar variation 4989612 (VCV004989612.1).